The following is an entry in ClinVar:

ClinVar aggregate classification (germline): Uncertain significance. Review status: criteria provided, multiple submitters, no conflicts (2 of 4 stars). 2 submissions from 2 submitters: Uncertain significance (2). Last evaluated 2025-10-13.

Conditions:
Epilepsy, familial temporal lobe, 1. Identifiers: Orphanet 101046, MedGen CN030884, MONDO:0700090, OMIM 600512.

Allele frequency attached by ClinVar (database versions not stated): gnomAD exomes below 0.00001.
gnomAD v4.1: 1 of 1,613,422 alleles (0.000062%); highest among the groups gnomAD compares: African/African-American, 0.0013%; no homozygotes.

Submissions (2):

Labcorp Genetics (formerly Invitae), Labcorp
Classification: Uncertain significance. Last evaluated: 2025-10-13. Review status: criteria provided, single submitter. Criteria: Invitae Variant Classification Sherloc (09022015). Collection method: clinical testing. Allele origin: germline.
Comment: This sequence change replaces alanine, which is neutral and non-polar, with threonine, which is neutral and polar, at codon 360 of the MICAL1 protein (p.Ala360Thr). This variant is not present in population databases (gnomAD no frequency). This variant has not been reported in the literature in individuals affected with MICAL1-related conditions. ClinVar contains an entry for this variant (Variation ID: 1027882). An algorithm developed to predict the effect of missense changes on protein structure and function (PolyPhen-2) suggests that this variant is likely to be disruptive. In summary, the available evidence is currently insufficient to determine the role of this variant in disease. Therefore, it has been classified as a Variant of Uncertain Significance.

Baylor Genetics
Classification: Uncertain significance for Epilepsy, familial temporal lobe, 1. Last evaluated: 2019-11-01. Review status: criteria provided, single submitter. Criteria: ACMG Guidelines, 2015. Collection method: clinical testing. Allele origin: unknown. Affected: yes.
Comment: This variant was determined to be of uncertain significance according to ACMG Guidelines, 2015 [PMID:25741868].

NM_022765.4(MICAL1):c.1021G>A (p.Ala341Thr)

Gene: MICAL1 (microtubule associated monooxygenase, calponin and LIM domain containing 1; minus strand). Cytogenetic location: 6q21.
Variant type: single nucleotide variant.
Coding change: c.1021G>A on transcript NM_022765.4 (MANE Select); coding-DNA position 1021, G replaced by A.
Protein change: p.Ala341Thr; replaces alanine 341 with threonine.
Molecular consequence: missense variant. On other transcripts: intron variant (1).
Genome position (GRCh38, 1-based): chr6:109,450,470, C>T on the plus strand (G>A on the coding strand, the complement: MICAL1 is on the minus strand). VCF-style: chr6-109450470-C-T. GRCh37 (hg19) VCF-style: chr6-109771673-C-T.
Other names: c.1078G>A, p.Ala360Thr (NM_001286613.2); c.934-385G>A (NM_001159291.2); short protein forms A341T, A360T.
Identifiers: ClinVar variation 1027882 (VCV001027882.4), dbSNP rs1775493179, ClinGen allele CA365231354.